The following is an entry in ClinVar:

ClinVar aggregate classification (germline): Conflicting classifications of pathogenicity. Review status: criteria provided, conflicting classifications (1 of 4 stars). 5 submissions from 5 submitters: Uncertain significance (4); Likely benign (1). Last evaluated 2026-03-11.

Conditions:
Cardiovascular phenotype. Identifiers: MedGen CN230736.
Ehlers-Danlos syndrome (EDS). Identifiers: Orphanet 98249, MedGen C0013720, MONDO:0020066.

Allele frequency attached by ClinVar (database versions not stated): gnomAD 0.00004 and 0.00003.

Submissions (5):

Women's Health and Genetics/Laboratory Corporation of America, LabCorp
Classification: Uncertain significance. Last evaluated: 2026-03-11. Review status: criteria provided, single submitter. Criteria: LabCorp Variant Classification Summary - May 2015. Collection method: clinical testing. Allele origin: germline.
Comment: Variant summary: TNXB c.6100C>G (p.Pro2034Ala) results in a non-conservative amino acid change in the encoded protein sequence. Algorithms developed to predict the effect of missense changes on protein structure and function are either unavailable or do not agree on the potential impact of this missense change. The variant was absent in 249070 control chromosomes. The available data on variant occurrences in the general population are insufficient to allow any conclusion about variant significance. To our knowledge, no occurrence of c.6100C>G in individuals affected with TNXB-related conditions and no experimental evidence demonstrating its impact on protein function have been reported. ClinVar contains an entry for this variant (Variation ID: 1306931). Based on the evidence outlined above, the variant was classified as uncertain significance.

Ambry Genetics
Classification: Likely benign for Cardiovascular phenotype. Last evaluated: 2025-10-02. Review status: criteria provided, single submitter. Criteria: Ambry Variant Classification Scheme 2023. Collection method: clinical testing. Allele origin: germline.

Mayo Clinic Laboratories, Mayo Clinic
Classification: Uncertain significance. Last evaluated: 2024-12-05. Review status: criteria provided, single submitter. Criteria: ACMG Guidelines, 2015. Collection method: clinical testing. Allele origin: germline. Observed: 1 variant allele.
Comment: BP4_moderate

Genome Diagnostics Laboratory, The Hospital for Sick Children
Classification: Uncertain significance for Ehlers-Danlos syndrome. Last evaluated: 2020-01-01. Review status: criteria provided, single submitter. Criteria: ACMG Guidelines, 2015. Collection method: clinical testing. Allele origin: germline.

GeneDx
Classification: Uncertain significance. Last evaluated: 2019-07-03. Review status: criteria provided, single submitter. Criteria: GeneDx Variant Classification Process June 2021. Collection method: clinical testing. Allele origin: germline. Affected: yes.
Comment: Has not been previously published as pathogenic or benign to our knowledge; In silico analysis, which includes protein predictors and evolutionary conservation, supports a deleterious effect

NM_001365276.2(TNXB):c.6100C>G (p.Pro2034Ala)

Gene: TNXB (tenascin XB; minus strand). Cytogenetic location: 6p21.33.
Variant type: single nucleotide variant.
Coding change: c.6100C>G on transcript NM_001365276.2 (MANE Select); coding-DNA position 6100, C replaced by G.
Protein change: p.Pro2034Ala; replaces proline 2034 with alanine.
Molecular consequence: missense variant.
Genome position (GRCh38, 1-based): chr6:32,068,510, G>C on the plus strand (C>G on the coding strand, the complement: TNXB is on the minus strand). VCF-style: chr6-32068510-G-C. GRCh37 (hg19) VCF-style: chr6-32036287-G-C.
Other names: p.Pro2034Ala; c.6100C>G, p.Pro2034Ala (NM_019105.8); short protein forms P2034A.
Identifiers: ClinVar variation 1306931 (VCV001306931.9), dbSNP rs1437182181, ClinGen allele CA363403258.